The following is an entry in ClinVar:

NM_002335.4(LRP5):c.131G>A (p.Arg44Gln)

Gene: LRP5 (LDL receptor related protein 5; plus strand). Cytogenetic location: 11q13.2.
Variant type: single nucleotide variant.
Coding change: c.131G>A on transcript NM_002335.4 (MANE Select); coding-DNA position 131, G replaced by A.
Protein change: p.Arg44Gln; replaces arginine 44 with glutamine.
Molecular consequence: missense variant. On other transcripts: 5 prime UTR variant (1).
Genome position (GRCh38, 1-based): chr11:68,347,886, G>A. VCF-style: chr11-68347886-G-A. GRCh37 (hg19) VCF-style: chr11-68115354-G-A.
Other names: c.-1635G>A (NM_001291902.2); c.131G>A (NM_002335.2); short protein forms R44Q.
Identifiers: ClinVar variation 1914136 (VCV001914136.7), dbSNP rs774243312, ClinGen allele CA6148916.

ClinVar aggregate classification (germline): Uncertain significance. Review status: criteria provided, multiple submitters, no conflicts (2 of 4 stars). 3 submissions from 3 submitters: Uncertain significance (3). Last evaluated 2025-08-31.

Conditions:
Inborn genetic diseases. Identifiers: MedGen C0950123, MeSH D030342.

Allele frequency attached by ClinVar (database versions not stated): gnomAD 0.00001; gnomAD exomes 0.00001; TOPMed 0.00001; ExAC 0.00003.
gnomAD v4.1: 18 of 1,613,200 alleles (0.0011%); highest among the groups gnomAD compares: Admixed American, 0.0033%; no homozygotes.

Submissions (3):

Labcorp Genetics (formerly Invitae), Labcorp
Classification: Uncertain significance. Last evaluated: 2025-08-31. Review status: criteria provided, single submitter. Criteria: Invitae Variant Classification Sherloc (09022015). Collection method: clinical testing. Allele origin: germline.
Comment: This sequence change replaces arginine, which is basic and polar, with glutamine, which is neutral and polar, at codon 44 of the LRP5 protein (p.Arg44Gln). This variant is present in population databases (rs774243312, gnomAD 0.006%). This variant has not been reported in the literature in individuals affected with LRP5-related conditions. ClinVar contains an entry for this variant (Variation ID: 1914136). Invitae Evidence Modeling of protein sequence and biophysical properties (such as structural, functional, and spatial information, amino acid conservation, physicochemical variation, residue mobility, and thermodynamic stability) has been performed for this missense variant. However, the output from this modeling did not meet the statistical confidence thresholds required to predict the impact of this variant on LRP5 protein function. In summary, the available evidence is currently insufficient to determine the role of this variant in disease. Therefore, it has been classified as a Variant of Uncertain Significance.

Ambry Genetics
Classification: Uncertain significance for Inborn genetic diseases. Last evaluated: 2024-06-17. Review status: criteria provided, single submitter. Criteria: Ambry Variant Classification Scheme 2023. Collection method: clinical testing. Allele origin: germline.

Blueprint Genetics
Classification: Uncertain significance. Last evaluated: 2017-07-31. Review status: criteria provided, single submitter. Criteria: ACMG Guidelines, 2015. Collection method: clinical testing. Allele origin: germline.